The following is an entry in ClinVar:

ClinVar aggregate classification (germline): Benign (0 of 4 stars; one submission).

Conditions:
PLXNB1-related disorder. Also called: PLXNB1-related condition.

Allele frequency attached by ClinVar (database versions not stated): 1000 Genomes Project 30x 0.00344; 1000 Genomes Project 0.00359; TOPMed 0.00564; ESP Exome Variant Server 0.00631; gnomAD 0.00792; gnomAD exomes 0.00889; ExAC 0.01189.
gnomAD v4.1: 13,937 of 1,589,544 alleles (0.88%); highest among the groups gnomAD compares: Non-Finnish European, 0.97%; 101 homozygotes.

Submission:

PreventionGenetics, part of Exact Sciences
Classification: Benign for PLXNB1-related condition. Last evaluated: 2019-05-27. Review status: no assertion criteria provided. Collection method: clinical testing. Allele origin: germline.
Comment: This variant is classified as benign based on ACMG/AMP sequence variant interpretation guidelines (Richards et al. 2015 PMID: 25741868, with internal and published modifications).

NM_001130082.3(PLXNB1):c.1303C>T (p.Pro435Ser)

Gene: PLXNB1 (plexin B1; minus strand). Cytogenetic location: 3p21.31.
Variant type: single nucleotide variant.
Coding change: c.1303C>T on transcript NM_001130082.3 (MANE Select); coding-DNA position 1303, C replaced by T.
Protein change: p.Pro435Ser; replaces proline 435 with serine.
Molecular consequence: missense variant.
Genome position (GRCh38, 1-based): chr3:48,422,447, G>A on the plus strand (C>T on the coding strand, the complement: PLXNB1 is on the minus strand). VCF-style: chr3-48422447-G-A. GRCh37 (hg19) VCF-style: chr3-48463856-G-A.
Other names: c.1303C>T, p.Pro435Ser (NM_002673.6); short protein forms P435S.
Identifiers: ClinVar variation 3039341 (VCV003039341.2), dbSNP rs142527941, ClinGen allele CA2375148.
Genomic context (GRCh38, chr3:48,422,447, plus strand): 5'-TGCTCACTGCAGACCCCTGCTGGATGCTCTGTGTGGAGTATGGGTGGCCATCGCTCCCTG[G>A]GCCCAAGTAGACCTGGGATCAGAGACCACAGGGTCTGGGACCCAAGTCCATGGCCAGAGG-3'
Protein context (NP_001123554.1, residues 425-445): QGQLHRVYLG[Pro435Ser]GSDGHPYSTQ